The following is an entry in ClinVar:

NM_031935.3(HMCN1):c.1945G>A (p.Asp649Asn)

Gene: HMCN1 (hemicentin 1; plus strand). Cytogenetic location: 1q31.1.
Variant type: single nucleotide variant.
Coding change: c.1945G>A on transcript NM_031935.3 (MANE Select); coding-DNA position 1945, G replaced by A.
Protein change: p.Asp649Asn; replaces aspartic acid 649 with asparagine.
Molecular consequence: missense variant.
Genome position (GRCh38, 1-based): chr1:185,962,634, G>A. VCF-style: chr1-185962634-G-A. GRCh37 (hg19) VCF-style: chr1-185931766-G-A.
Other names: short protein forms D649N.
Identifiers: ClinVar variation 2160096 (VCV002160096.4), dbSNP rs369639687, ClinGen allele CA1291241.

ClinVar aggregate classification (germline): Uncertain significance (1 of 4 stars; one submission).

Allele frequency attached by ClinVar (database versions not stated): gnomAD exomes 0.00001; ExAC 0.00004; gnomAD 0.00007; ESP Exome Variant Server 0.00008; TOPMed 0.00008.
gnomAD v4.1: 18 of 1,590,166 alleles (0.0011%); highest among the groups gnomAD compares: African/African-American, 0.016%; no homozygotes.

Submission:

Labcorp Genetics (formerly Invitae), Labcorp
Classification: Uncertain significance. Last evaluated: 2022-05-09. Review status: criteria provided, single submitter. Criteria: Invitae Variant Classification Sherloc (09022015). Collection method: clinical testing. Allele origin: germline.
Comment: In summary, the available evidence is currently insufficient to determine the role of this variant in disease. Therefore, it has been classified as a Variant of Uncertain Significance. Algorithms developed to predict the effect of missense changes on protein structure and function output the following: SIFT: "Deleterious"; PolyPhen-2: "Probably Damaging"; Align-GVGD: "Class C0". The asparagine amino acid residue is found in multiple mammalian species, which suggests that this missense change does not adversely affect protein function. This variant has not been reported in the literature in individuals affected with HMCN1-related conditions. This variant is present in population databases (rs369639687, gnomAD 0.02%). This sequence change replaces aspartic acid, which is acidic and polar, with asparagine, which is neutral and polar, at codon 649 of the HMCN1 protein (p.Asp649Asn).